The following is an entry in ClinVar:

NM_206933.4(USH2A):c.5084G>C (p.Ser1695Thr)

Genes: USH2A (usherin; minus strand), USH2A-AS2 (USH2A antisense RNA 2; plus strand). Cytogenetic location: 1q41.
Variant type: single nucleotide variant.
Coding change: c.5084G>C on transcript NM_206933.4 (MANE Select); coding-DNA position 5084, G replaced by C.
Protein change: p.Ser1695Thr; replaces serine 1695 with threonine.
Molecular consequence: missense variant.
Genome position (GRCh38, 1-based): chr1:216,084,781, C>G on the plus strand (G>C on the coding strand, the complement: USH2A is on the minus strand). VCF-style: chr1-216084781-C-G. GRCh37 (hg19) VCF-style: chr1-216258123-C-G.
Other names: short protein forms S1695T.
Identifiers: ClinVar variation 3777370 (VCV003777370.2).

ClinVar aggregate classification (germline): Uncertain significance. Review status: criteria provided, multiple submitters, no conflicts (2 of 4 stars). 2 submissions from 2 submitters: Uncertain significance (2). Last evaluated 2024-10-14.

gnomAD v4.1: 7 of 1,613,486 alleles (0.00043%); highest among the groups gnomAD compares: Non-Finnish European, 0.00059%; no homozygotes.

Submissions (2):

GeneDx
Classification: Uncertain significance. Last evaluated: 2024-10-14. Review status: criteria provided, single submitter. Criteria: GeneDx Variant Classification Process June 2021. Collection method: clinical testing. Allele origin: germline. Affected: yes.
Comment: Not observed at significant frequency in large population cohorts (gnomAD); In silico analysis indicates that this missense variant does not alter protein structure/function; Has not been previously published as pathogenic or benign to our knowledge

Blueprint Genetics
Classification: Uncertain significance. Last evaluated: 2024-03-09. Review status: criteria provided, single submitter. Criteria: ACMG Guidelines, 2015. Collection method: clinical testing. Allele origin: germline.